The following is an entry in ClinVar:

ClinVar aggregate classification (germline): Uncertain significance (1 of 4 stars; one submission).

Submission:

Labcorp Genetics (formerly Invitae), Labcorp
Classification: Uncertain significance. Last evaluated: 2023-12-22. Review status: criteria provided, single submitter. Criteria: Invitae Variant Classification Sherloc (09022015). Collection method: clinical testing. Allele origin: germline.
Comment: This sequence change falls in intron 1 of the TNFRSF11A gene. It does not directly change the encoded amino acid sequence of the TNFRSF11A protein. It affects a nucleotide within the consensus splice site. This variant is not present in population databases (gnomAD no frequency). This variant has not been reported in the literature in individuals affected with TNFRSF11A-related conditions. Variants that disrupt the consensus splice site are a relatively common cause of aberrant splicing (PMID: 17576681, 9536098). Algorithms developed to predict the effect of sequence changes on RNA splicing suggest that this variant is not likely to affect RNA splicing. In summary, the available evidence is currently insufficient to determine the role of this variant in disease. Therefore, it has been classified as a Variant of Uncertain Significance.

Literature cited by the submitters: PubMed 17576681; PubMed 9536098.

NM_003839.4(TNFRSF11A):c.75+4A>C

Gene: TNFRSF11A (TNF receptor superfamily member 11a; plus strand). Cytogenetic location: 18q21.33.
Variant type: single nucleotide variant.
Coding change: c.75+4A>C on transcript NM_003839.4 (MANE Select); 4 bases into the intron after coding-DNA position 75, A replaced by C.
Molecular consequence: intron variant.
Genome position (GRCh38, 1-based): chr18:62,325,431, A>C. VCF-style: chr18-62325431-A-C. GRCh37 (hg19) VCF-style: chr18-59992664-A-C.
Other names: c.75+4A>C (NM_001270949.2, NM_001270950.2, NM_001270951.2 and 1 more transcripts).
Identifiers: ClinVar variation 2704994 (VCV002704994.3), dbSNP rs1270080931, ClinGen allele CA2642066597.
Genomic context (GRCh38, chr18:62,325,431, plus strand): 5'-CGGCGCCGCCCGCTGTTCGCGCTGCTGCTGCTCTGCGCGCTGCTCGCCCGGCTGCAGGTA[A>C]GGAGCGCCCGCGCCTGCCGGGCCGCGCGGCCCGACGCCTCCTCGGGAGCCCCGGGAAGGG-3'